The following is an entry in ClinVar:

ClinVar aggregate classification (germline): Uncertain significance (1 of 4 stars; one submission).

gnomAD v4.1: 1 of 1,614,024 alleles (0.000062%); highest among the groups gnomAD compares: Non-Finnish European, 0.000085%; no homozygotes.

Submission:

Labcorp Genetics (formerly Invitae), Labcorp
Classification: Uncertain significance. Last evaluated: 2024-06-12. Review status: criteria provided, single submitter. Criteria: Invitae Variant Classification Sherloc (09022015). Collection method: clinical testing. Allele origin: germline.
Comment: This sequence change replaces arginine, which is basic and polar, with histidine, which is basic and polar, at codon 542 of the JAK1 protein (p.Arg542His). This variant is not present in population databases (gnomAD no frequency). This variant has not been reported in the literature in individuals affected with JAK1-related conditions. Advanced modeling of protein sequence and biophysical properties (such as structural, functional, and spatial information, amino acid conservation, physicochemical variation, residue mobility, and thermodynamic stability) performed at Invitae indicates that this missense variant is not expected to disrupt JAK1 protein function with a negative predictive value of 80%. In summary, the available evidence is currently insufficient to determine the role of this variant in disease. Therefore, it has been classified as a Variant of Uncertain Significance.

NM_002227.4(JAK1):c.1625G>A (p.Arg542His)

Gene: JAK1 (Janus kinase 1; minus strand). Cytogenetic location: 1p31.3.
Variant type: single nucleotide variant.
Coding change: c.1625G>A on transcript NM_002227.4 (MANE Select); coding-DNA position 1625, G replaced by A.
Protein change: p.Arg542His; replaces arginine 542 with histidine.
Molecular consequence: missense variant.
Genome position (GRCh38, 1-based): chr1:64,855,532, C>T on the plus strand (G>A on the coding strand, the complement: JAK1 is on the minus strand). VCF-style: chr1-64855532-C-T. GRCh37 (hg19) VCF-style: chr1-65321215-C-T.
Other names: c.1625G>A, p.Arg542His (NM_001320923.2, NM_001321852.2, NM_001321853.2 and 3 more transcripts); c.1622G>A, p.Arg541His (NM_001321857.2); short protein forms R542H, R541H.
Identifiers: ClinVar variation 3656431 (VCV003656431.2).